The following is an entry in ClinVar:

NM_000020.3(ACVRL1):c.1435C>G (p.Arg479Gly)

Gene: ACVRL1 (activin A receptor like type 1; plus strand). Cytogenetic location: 12q13.13.
Variant type: single nucleotide variant.
Coding change: c.1435C>G on transcript NM_000020.3 (MANE Select); coding-DNA position 1435, C replaced by G.
Protein change: p.Arg479Gly; replaces arginine 479 with glycine.
Molecular consequence: missense variant.
Genome position (GRCh38, 1-based): chr12:51,920,816, C>G. VCF-style: chr12-51920816-C-G. GRCh37 (hg19) VCF-style: chr12-52314600-C-G.
Other names: c.1435C>G, p.Arg479Gly (NM_001077401.2, NM_001406487.1); c.1123C>G, p.Arg375Gly (NM_001406491.1, NM_001406492.1); c.925C>G, p.Arg309Gly (NM_001406494.1); c.871C>G, p.Arg291Gly (NM_001406495.1); c.1279C>G, p.Arg427Gly (NM_001406490.1); short protein forms R309G, R375G, R427G, R479G, R291G.
Identifiers: ClinVar variation 3635229 (VCV003635229.2).

ClinVar aggregate classification (germline): Likely pathogenic (1 of 4 stars; one submission).

Conditions:
Telangiectasia, hereditary hemorrhagic, type 2 (HHT2). Also called: ACVRL1-Related Hereditary Hemorrhagic Telangiectasia; Telangiectasia, hereditary hemorrhagic, type II. Identifiers: Orphanet 774, MedGen C1838163, MONDO:0010880, OMIM 600376. Disease mechanism: loss of function.

Submission:

Labcorp Genetics (formerly Invitae), Labcorp
Classification: Likely pathogenic for Telangiectasia, hereditary hemorrhagic, type 2. Last evaluated: 2025-11-24. Review status: criteria provided, single submitter. Criteria: Invitae Variant Classification Sherloc (09022015). Collection method: clinical testing. Allele origin: germline.
Comment: This sequence change replaces arginine, which is basic and polar, with glycine, which is neutral and non-polar, at codon 479 of the ACVRL1 protein (p.Arg479Gly). This variant is not present in population databases (gnomAD no frequency). This variant has not been reported in the literature in individuals affected with ACVRL1-related conditions. ClinVar contains an entry for this variant (Variation ID: 3635229). Invitae Evidence Modeling of protein sequence and biophysical properties (such as structural, functional, and spatial information, amino acid conservation, physicochemical variation, residue mobility, and thermodynamic stability) indicates that this missense variant is expected to disrupt ACVRL1 protein function with a positive predictive value of 95%. This variant disrupts the p.Arg479 amino acid residue in ACVRL1. Other variant(s) that disrupt this residue have been determined to be pathogenic (PMID: 16470787, 16705692, 21158752; internal data). This suggests that this residue is clinically significant, and that variants that disrupt this residue are likely to be disease-causing. In summary, the currently available evidence indicates that the variant is pathogenic, but additional data are needed to prove that conclusively. Therefore, this variant has been classified as Likely Pathogenic.

Literature cited by the submitters: PubMed 16470787; PubMed 16705692; PubMed 21158752.